The following is an entry in ClinVar:

NM_000334.4(SCN4A):c.2468A>C (p.Gln823Pro)

Genes: GH-LCR (growth hormone locus control region; plus strand), SCN4A (sodium voltage-gated channel alpha subunit 4; minus strand). Cytogenetic location: 17q23.3.
Variant type: single nucleotide variant.
Coding change: c.2468A>C on transcript NM_000334.4 (MANE Select); coding-DNA position 2468, A replaced by C.
Protein change: p.Gln823Pro; replaces glutamine 823 with proline.
Molecular consequence: missense variant.
Genome position (GRCh38, 1-based): chr17:63,951,809, T>G on the plus strand (A>C on the coding strand, the complement: SCN4A is on the minus strand). VCF-style: chr17-63951809-T-G. GRCh37 (hg19) VCF-style: chr17-62029169-T-G.
Other names: short protein forms Q823P.
Identifiers: ClinVar variation 582148 (VCV000582148.10), dbSNP rs753182664, ClinGen allele CA8709573.

ClinVar aggregate classification (germline): Uncertain significance. Review status: criteria provided, multiple submitters, no conflicts (2 of 4 stars). 2 submissions from 2 submitters: Uncertain significance (2). Last evaluated 2025-04-18.

Conditions:
Hyperkalemic periodic paralysis. Also called: Familial hyperkalemic periodic paralysis; Gamstorp disease. Identifiers: Orphanet 682, MedGen C0238357, MONDO:0008224, OMIM 170500, HP:0007215.
Congenital myasthenic syndrome 16. Identifiers: Orphanet 590, MedGen C3280112, MONDO:0013620, OMIM 614198.
Hypokalemic periodic paralysis, type 1. Also called: Hypokalemic Periodic Paralysis Type 1 (AD); HypoPP. Identifiers: Orphanet 681, MedGen C3714580, MONDO:0042979, OMIM 170400.
Paramyotonia congenita of Von Eulenburg. Also called: Myotonia congenita intermittens; Von Eulenburg paramyotonia congenita; Paramyotonia Congenita; PARALYSIS PERIODICA PARAMYOTONICA; Eulenburg disease. Identifiers: Orphanet 684, MedGen C0221055, MONDO:0008195, OMIM 168300. Disease mechanism: loss of function.
Hypokalemic periodic paralysis, type 2 (HOKPP2). Identifiers: Orphanet 681, MedGen C2750061, MONDO:0013234, OMIM 613345.
Potassium-aggravated myotonia. Also called: Myotonia congenita, atypical, acetazolamide-responsive; MYOTONIA CONGENITA, ACETAZOLAMIDE-RESPONSIVE; MYOTONIA CONGENITA, ATYPICAL; SODIUM CHANNEL MUSCLE DISEASE. Identifiers: Orphanet 612, Orphanet 99734, Orphanet 99735, Orphanet 99736, MedGen C2931826, MONDO:0018959, OMIM 608390.

Allele frequency attached by ClinVar (database versions not stated): gnomAD 0.00007; ExAC 0.00008; gnomAD exomes 0.00004 and 0.00002; TOPMed 0.00001.
gnomAD v4.1: 43 of 1,583,366 alleles (0.0027%); highest among the groups gnomAD compares: Non-Finnish European, 0.00077%; no homozygotes.

Submissions (2):

Labcorp Genetics (formerly Invitae), Labcorp
Classification: Uncertain significance for Hyperkalemic periodic paralysis. Last evaluated: 2025-04-18. Review status: criteria provided, single submitter. Criteria: Invitae Variant Classification Sherloc (09022015). Collection method: clinical testing. Allele origin: germline.
Comment: This sequence change replaces glutamine, which is neutral and polar, with proline, which is neutral and non-polar, at codon 823 of the SCN4A protein (p.Gln823Pro). This variant is present in population databases (rs753182664, gnomAD 0.04%). This variant has not been reported in the literature in individuals affected with SCN4A-related conditions. ClinVar contains an entry for this variant (Variation ID: 582148). Invitae Evidence Modeling of protein sequence and biophysical properties (such as structural, functional, and spatial information, amino acid conservation, physicochemical variation, residue mobility, and thermodynamic stability) indicates that this missense variant is expected to disrupt SCN4A protein function with a positive predictive value of 80%. In summary, the available evidence is currently insufficient to determine the role of this variant in disease. Therefore, it has been classified as a Variant of Uncertain Significance.

Fulgent Genetics
Classification: Uncertain significance for Paramyotonia congenita of Von Eulenburg; Hypokalemic periodic paralysis, type 1; Hyperkalemic periodic paralysis; Potassium-aggravated myotonia; Hypokalemic periodic paralysis, type 2; Congenital myasthenic syndrome 16. Last evaluated: 2018-10-31. Review status: criteria provided, single submitter. Criteria: ACMG Guidelines, 2015. Collection method: clinical testing. Allele origin: unknown.